The following is an entry in ClinVar:

NM_015631.6(TCTN3):c.371_372del (p.Gly124fs)

Gene: TCTN3 (tectonic family member 3; minus strand). Cytogenetic location: 10q24.1.
Variant type: Deletion.
Coding change: c.371_372del on transcript NM_015631.6 (MANE Select); coding-DNA positions 371 to 372, 2 bases deleted (GC; older notation c.371_372delGC).
Protein change: p.Gly124fs; shifts the reading frame from glycine 124.
Molecular consequence: frameshift variant.
Genome position (GRCh38, 1-based): chr10:95,693,361-95,693,362, GC deleted on the plus strand (GC on the coding strand, the reverse complement: TCTN3 is on the minus strand). VCF-style (leftmost placement, unchanged base first): chr10-95693360-TGC-T. GRCh37 (hg19) VCF-style: chr10-97453117-TGC-T.
Other names: c.425_426delGC, p.Gly142Glufs (NM_001013840.1); c.371_372del, p.Gly124fs (NM_001143973.2, NM_001410982.1); short protein forms G124fs.
Identifiers: ClinVar variation 2950265 (VCV002950265.3), dbSNP rs2492790282, ClinGen allele CA2740093482.
Genomic context (GRCh38, chr10:95,693,360, plus strand): 5'-CCCGTTGTAGGCCCCAAACCCCTTTAGGATTCAGTCTGAGCAACGAAGCTCACCTTACGC[TGC>T]CTGGAAGGCAGAAGGAGAAAACTGTCCTCGGATGGAGAAGATAGCAGTCCCTGTCGCAGC-3'

ClinVar aggregate classification (germline): Pathogenic (1 of 4 stars; one submission).

Conditions:
Joubert syndrome 18 (JBTS18). Identifiers: Orphanet 2754, MedGen C3553758, MONDO:0013896, OMIM 614815.
Orofacial-digital syndrome IV (OFD4). Also called: BARAITSER-BURN SYNDROME; OFD SYNDROME WITH TIBIAL DEFECTS; OFD SYNDROME, BARAITSER-BURN TYPE; OFDS IV; ORAL-FACIAL-DIGITAL SYNDROME, TYPE IV; Orofaciodigital syndrome IV. Identifiers: Orphanet 2753, MedGen C0406727, MONDO:0009794, OMIM 258860.

Submission:

Labcorp Genetics (formerly Invitae), Labcorp
Classification: Pathogenic for Joubert syndrome 18; Orofacial-digital syndrome IV. Last evaluated: 2025-08-18. Review status: criteria provided, single submitter. Criteria: Invitae Variant Classification Sherloc (09022015). Collection method: clinical testing. Allele origin: germline.
Comment: This sequence change creates a premature translational stop signal (p.Gly124Glufs*19) in the TCTN3 gene. It is expected to result in an absent or disrupted protein product. Loss-of-function variants in TCTN3 are known to be pathogenic (PMID: 2692869, 22883145, 25118024). This variant is not present in population databases (gnomAD no frequency). This variant has not been reported in the literature in individuals affected with TCTN3-related conditions. ClinVar contains an entry for this variant (Variation ID: 2950265). For these reasons, this variant has been classified as Pathogenic.

Literature cited by the submitters: PubMed 2692869; PubMed 22883145; PubMed 25118024.